The following is an entry in ClinVar:

NM_001060.6(TBXA2R):c.163G>T (p.Gly55Trp)

Gene: TBXA2R (thromboxane A2 receptor; minus strand). Cytogenetic location: 19p13.3.
Variant type: single nucleotide variant.
Coding change: c.163G>T on transcript NM_001060.6 (MANE Select); coding-DNA position 163, G replaced by T.
Protein change: p.Gly55Trp; replaces glycine 55 with tryptophan.
Molecular consequence: missense variant.
Genome position (GRCh38, 1-based): chr19:3,600,472, C>A on the plus strand (G>T on the coding strand, the complement: TBXA2R is on the minus strand). VCF-style: chr19-3600472-C-A. GRCh37 (hg19) VCF-style: chr19-3600470-C-A.
Other names: c.163G>T, p.Gly55Trp (NM_201636.3); short protein forms G55W.
Identifiers: ClinVar variation 2733041 (VCV002733041.3), dbSNP rs778068953, ClinGen allele CA9080916.

ClinVar aggregate classification (germline): Uncertain significance (1 of 4 stars; one submission).

Allele frequency attached by ClinVar (database versions not stated): gnomAD 0.00001; TOPMed 0.00002.
gnomAD v4.1: 15 of 1,612,592 alleles (0.00093%); highest among the groups gnomAD compares: East Asian, 0.013%; no homozygotes.

Submission:

Labcorp Genetics (formerly Invitae), Labcorp
Classification: Uncertain significance. Last evaluated: 2023-03-17. Review status: criteria provided, single submitter. Criteria: Invitae Variant Classification Sherloc (09022015). Collection method: clinical testing. Allele origin: germline.
Comment: In summary, the available evidence is currently insufficient to determine the role of this variant in disease. Therefore, it has been classified as a Variant of Uncertain Significance. An algorithm developed to predict the effect of missense changes on protein structure and function (PolyPhen-2) suggests that this variant is likely to be disruptive. This variant has not been reported in the literature in individuals affected with TBXA2R-related conditions. This variant is present in population databases (rs778068953, gnomAD 0.03%). This sequence change replaces glycine, which is neutral and non-polar, with tryptophan, which is neutral and slightly polar, at codon 55 of the TBXA2R protein (p.Gly55Trp).